The following is an entry in ClinVar:

NM_003070.5(SMARCA2):c.1181A>G (p.Gln394Arg)

Gene: SMARCA2 (SWI/SNF related BAF chromatin remodeling complex subunit ATPase 2; plus strand). Cytogenetic location: 9p24.3.
Variant type: single nucleotide variant.
Coding change: c.1181A>G on transcript NM_003070.5 (MANE Select); coding-DNA position 1181, A replaced by G.
Protein change: p.Gln394Arg; replaces glutamine 394 with arginine.
Molecular consequence: missense variant.
Genome position (GRCh38, 1-based): chr9:2,056,679, A>G. VCF-style: chr9-2056679-A-G. GRCh37 (hg19) VCF-style: chr9-2056679-A-G.
Other names: c.1181A>G, p.Gln394Arg (NM_001289396.2, NM_001289397.2, NM_139045.4); short protein forms Q394R.
Identifiers: ClinVar variation 1352710 (VCV001352710.8), dbSNP rs1243149775, ClinGen allele CA372781547.

ClinVar aggregate classification (germline): Uncertain significance (1 of 4 stars; one submission).

Allele frequency attached by ClinVar (database versions not stated): gnomAD exomes below 0.00001.
gnomAD v4.1: 5 of 1,613,438 alleles (0.00031%); highest among the groups gnomAD compares: Non-Finnish European, 0.00042%; no homozygotes.

Submission:

Labcorp Genetics (formerly Invitae), Labcorp
Classification: Uncertain significance. Last evaluated: 2021-07-11. Review status: criteria provided, single submitter. Criteria: Invitae Variant Classification Sherloc (09022015). Collection method: clinical testing. Allele origin: germline.
Comment: This sequence change replaces glutamine with arginine at codon 394 of the SMARCA2 protein (p.Gln394Arg). The glutamine residue is moderately conserved and there is a small physicochemical difference between glutamine and arginine. This variant is not present in population databases (ExAC no frequency). This variant has not been reported in the literature in individuals affected with SMARCA2-related conditions. Advanced modeling of protein sequence and biophysical properties (such as structural, functional, and spatial information, amino acid conservation, physicochemical variation, residue mobility, and thermodynamic stability) performed at Invitae indicates that this missense variant is not expected to disrupt SMARCA2 protein function. In summary, the available evidence is currently insufficient to determine the role of this variant in disease. Therefore, it has been classified as a Variant of Uncertain Significance.